The following is an entry in ClinVar:

ClinVar aggregate classification (germline): Uncertain significance. Review status: criteria provided, multiple submitters, no conflicts (2 of 4 stars). 2 submissions from 2 submitters: Uncertain significance (2). Last evaluated 2025-03-25.

Conditions:
Inborn genetic diseases. Identifiers: MedGen C0950123, MeSH D030342.
Baller-Gerold syndrome (BGS). Also called: CRANIOSYNOSTOSIS WITH RADIAL DEFECTS. Identifiers: Orphanet 1225, MedGen C0265308, MONDO:0009039, OMIM 218600.

Submissions (2):

Ambry Genetics
Classification: Uncertain significance for Inborn genetic diseases. Last evaluated: 2025-03-25. Review status: criteria provided, single submitter. Criteria: Ambry Variant Classification Scheme 2023. Collection method: clinical testing. Allele origin: germline.
Comment: The p.D349Y variant (also known as c.1045G>T), located in coding exon 5 of the RECQL4 gene, results from a G to T substitution at nucleotide position 1045. The aspartic acid at codon 349 is replaced by tyrosine, an amino acid with highly dissimilar properties. This amino acid position is conserved. In addition, the in silico prediction for this alteration is inconclusive. Based on the available evidence, the clinical significance of this variant remains unclear.

Labcorp Genetics (formerly Invitae), Labcorp
Classification: Uncertain significance for Baller-Gerold syndrome. Last evaluated: 2023-09-20. Review status: criteria provided, single submitter. Criteria: Invitae Variant Classification Sherloc (09022015). Collection method: clinical testing. Allele origin: germline.
Comment: This sequence change replaces aspartic acid, which is acidic and polar, with tyrosine, which is neutral and polar, at codon 349 of the RECQL4 protein (p.Asp349Tyr). This variant is not present in population databases (gnomAD no frequency). This variant has not been reported in the literature in individuals affected with RECQL4-related conditions. ClinVar contains an entry for this variant (Variation ID: 1373418). Advanced modeling of protein sequence and biophysical properties (such as structural, functional, and spatial information, amino acid conservation, physicochemical variation, residue mobility, and thermodynamic stability) performed at Invitae indicates that this missense variant is not expected to disrupt RECQL4 protein function. Algorithms developed to predict the effect of sequence changes on RNA splicing suggest that this variant may create or strengthen a splice site. In summary, the available evidence is currently insufficient to determine the role of this variant in disease. Therefore, it has been classified as a Variant of Uncertain Significance.

NM_004260.4(RECQL4):c.1045G>T (p.Asp349Tyr)

Gene: RECQL4 (RecQ like helicase 4; minus strand). Cytogenetic location: 8q24.3.
Variant type: single nucleotide variant.
Coding change: c.1045G>T on transcript NM_004260.4 (MANE Select); coding-DNA position 1045, G replaced by T.
Protein change: p.Asp349Tyr; replaces aspartic acid 349 with tyrosine.
Molecular consequence: missense variant.
Genome position (GRCh38, 1-based): chr8:144,516,074, C>A on the plus strand (G>T on the coding strand, the complement: RECQL4 is on the minus strand). VCF-style: chr8-144516074-C-A. GRCh37 (hg19) VCF-style: chr8-145741458-C-A.
Other names: c.1045G>T (NM_004260.3); short protein forms D349Y.
Identifiers: ClinVar variation 1373418 (VCV001373418.7), dbSNP rs1045634487, ClinGen allele CA372688232.